The following is an entry in ClinVar:

ClinVar aggregate classification (germline): Conflicting classifications of pathogenicity. Review status: criteria provided, conflicting classifications (1 of 4 stars). 4 submissions from 4 submitters: Uncertain significance (1); Benign (1); Likely benign (1). 1 of the submissions does not count toward it. Last evaluated 2026-03-06.

Conditions:
COL1A2-related disorder. Also called: COL1A2-related condition; COL1A2-Related Disorders.
Osteogenesis imperfecta type I (OI1). Also called: Lobstein's Disease; Classic Non-deforming Osteogenesis Imperfecta with Blue Sclerae; Osteogenesis imperfecta type 1; OI, TYPE I; OSTEOGENESIS IMPERFECTA TARDA; OSTEOGENESIS IMPERFECTA WITH BLUE SCLERAE. Identifiers: Orphanet 216796, Orphanet 666, MedGen C0023931, MONDO:0008146, OMIM 166200. Disease mechanism: loss of function.
Ehlers-Danlos syndrome, classic type, 1 (EDSCL1). Also called: Ehlers-Danlos syndrome, type 1; Ehlers-Danlos Syndrome, Classic Type, COL5A1-Related; EDS I; EHLERS-DANLOS SYNDROME, GRAVIS TYPE; EHLERS-DANLOS SYNDROME, SEVERE CLASSIC TYPE. Identifiers: MedGen C0268335, MONDO:0019567, OMIM 130000.

Allele frequency attached by ClinVar (database versions not stated): TOPMed 0.00001.
gnomAD v4.1: 2 of 1,614,080 alleles (0.00012%); highest among the groups gnomAD compares: Non-Finnish European, 0.00017%; no homozygotes.

Submissions (4):

Women's Health and Genetics/Laboratory Corporation of America, LabCorp
Classification: Uncertain significance. Last evaluated: 2026-03-06. Review status: criteria provided, single submitter. Criteria: LabCorp Variant Classification Summary - May 2015. Collection method: clinical testing. Allele origin: germline.
Comment: Variant summary: COL1A2 c.52T>G (p.Cys18Gly) results in a non-conservative amino acid change in the encoded protein sequence. Algorithms developed to predict the effect of missense changes on protein structure and function are either unavailable or do not agree on the potential impact of this missense change. The variant allele was found at a frequency of 1.2e-05 in 251322 control chromosomes. The available data on variant occurrences in the general population are insufficient to allow any conclusion about variant significance. To our knowledge, no occurrence of c.52T>G in individuals affected with COL1A2-related conditions and no experimental evidence demonstrating its impact on protein function have been reported. ClinVar contains an entry for this variant (Variation ID: 456832). Based on the evidence outlined above, the variant was classified as uncertain significance.

Labcorp Genetics (formerly Invitae), Labcorp
Classification: Benign for Osteogenesis imperfecta type I; Ehlers-Danlos syndrome, classic type, 1. Last evaluated: 2026-01-07. Review status: criteria provided, single submitter. Criteria: Invitae Variant Classification Sherloc (09022015). Collection method: clinical testing. Allele origin: germline.

Blueprint Genetics
Classification: Likely benign. Last evaluated: 2022-09-02. Review status: criteria provided, single submitter. Criteria: ACMG Guidelines, 2015. Collection method: clinical testing. Allele origin: germline.

PreventionGenetics, part of Exact Sciences
Classification: Uncertain significance for COL1A2-related condition. Last evaluated: 2023-11-03. Review status: no assertion criteria provided. Collection method: clinical testing. Allele origin: germline. Not counted in ClinVar's aggregate classification.
Comment: The COL1A2 c.52T>G variant is predicted to result in the amino acid substitution p.Cys18Gly. To our knowledge, this variant has not been reported in the literature. This variant is reported in 0.0026% of alleles in individuals of European (Non-Finnish) descent in gnomAD. At this time, the clinical significance of this variant is uncertain due to the absence of conclusive functional and genetic evidence.

NM_000089.4(COL1A2):c.52T>G (p.Cys18Gly)

Gene: COL1A2 (collagen type I alpha 2 chain; plus strand). Cytogenetic location: 7q21.3.
Variant type: single nucleotide variant.
Coding change: c.52T>G on transcript NM_000089.4 (MANE Select); coding-DNA position 52, T replaced by G.
Protein change: p.Cys18Gly; replaces cysteine 18 with glycine.
Molecular consequence: missense variant.
Genome position (GRCh38, 1-based): chr7:94,395,083, T>G. VCF-style: chr7-94395083-T-G. GRCh37 (hg19) VCF-style: chr7-94024395-T-G.
Other names: short protein forms C18G.
Identifiers: ClinVar variation 456832 (VCV000456832.14), dbSNP rs200278401, ClinGen allele CA368218869.
Genomic context (GRCh38, chr7:94,395,083, plus strand): 5'-GTGCTAGACATGCTCAGCTTTGTGGATACGCGGACTTTGTTGCTGCTTGCAGTAACCTTA[T>G]GCCTAGCAACATGCCAATGTAAGTGCCTTCAGCTTGTTTGGGGGAGACTGGGTAGAGAGG-3'
Protein context (NP_000080.2, residues 8-28): RTLLLLAVTL[Cys18Gly]LATCQSLQEE